The following is an entry in ClinVar:

NM_014363.6(SACS):c.8482A>G (p.Ser2828Gly)

Gene: SACS (sacsin molecular chaperone; minus strand). Cytogenetic location: 13q12.12.
Variant type: single nucleotide variant.
Coding change: c.8482A>G on transcript NM_014363.6 (MANE Select); coding-DNA position 8482, A replaced by G.
Protein change: p.Ser2828Gly; replaces serine 2828 with glycine.
Molecular consequence: missense variant.
Genome position (GRCh38, 1-based): chr13:23,335,394, T>C on the plus strand (A>G on the coding strand, the complement: SACS is on the minus strand). VCF-style: chr13-23335394-T-C. GRCh37 (hg19) VCF-style: chr13-23909533-T-C.
Other names: c.8041A>G, p.Ser2681Gly (NM_001278055.2); short protein forms S2828G, S2681G.
Identifiers: ClinVar variation 697976 (VCV000697976.13), dbSNP rs9552930, ClinGen allele CA6910756.

ClinVar aggregate classification (germline): Likely benign. Review status: criteria provided, multiple submitters, no conflicts (2 of 4 stars). 3 submissions from 3 submitters: Likely benign (2). 1 of the submissions does not count toward it. Last evaluated 2026-08-04.

Conditions:
SACS-related disorder. Also called: SACS-related condition.
Charlevoix-Saguenay spastic ataxia (SACS). Also called: SPASTIC ATAXIA 6, AUTOSOMAL RECESSIVE; AUTOSOMAL RECESSIVE SPASTIC ATAXIA OF CHARLEVOIX-SAGUENAY; Spastic ataxia of Charlevoix-Saguenay. Identifiers: Orphanet 98, MedGen C1849140, MONDO:0010041, OMIM 270550.
Spastic paraplegia. Identifiers: MedGen C0037772, HP:0001258.

Allele frequency attached by ClinVar (database versions not stated): gnomAD 0.00007 and 0.00010; gnomAD exomes 0.00008 and 0.00027; ESP Exome Variant Server 0.00015; 1000 Genomes Project 30x 0.00016; TOPMed 0.00017; 1000 Genomes Project 0.00020; ExAC 0.00031.
gnomAD v4.1: 139 of 1,613,918 alleles (0.0086%); highest among the groups gnomAD compares: East Asian, 0.25%; 2 homozygotes.

Submissions (3):

PreventionGenetics, part of Exact Sciences
Classification: Likely benign for SACS-related condition. Last evaluated: 2026-08-04. Review status: criteria provided, single submitter. Criteria: ACMG Guidelines, 2015. Collection method: clinical testing. Allele origin: germline.
Comment: This variant is classified as likely benign based on ACMG/AMP sequence variant interpretation guidelines (Richards et al. 2015 PMID: 25741868, with internal and published modifications).

Labcorp Genetics (formerly Invitae), Labcorp
Classification: Likely benign for Spastic paraplegia. Last evaluated: 2026-01-24. Review status: criteria provided, single submitter. Criteria: Invitae Variant Classification Sherloc (09022015). Collection method: clinical testing. Allele origin: germline.

Natera, Inc.
Classification: Uncertain significance for Charlevoix-Saguenay type spastic ataxia. Last evaluated: 2020-01-03. Review status: no assertion criteria provided. Collection method: clinical testing. Allele origin: germline. Not counted in ClinVar's aggregate classification.